The following is an entry in ClinVar:

ClinVar aggregate classification (germline): Uncertain significance. Review status: criteria provided, multiple submitters, no conflicts (2 of 4 stars). 2 submissions from 2 submitters: Uncertain significance (2). Last evaluated 2024-07-19.

Conditions:
Hypoparathyroidism, deafness, renal disease syndrome (HDRS). Also called: HYPOPARATHYROIDISM, SENSORINEURAL DEAFNESS, AND RENAL DYSPLASIA SYNDROME. Identifiers: Orphanet 2237, MedGen C1840333, MONDO:0007797, OMIM 146255.

Submissions (2):

Labcorp Genetics (formerly Invitae), Labcorp
Classification: Uncertain significance. Last evaluated: 2024-07-19. Review status: criteria provided, single submitter. Criteria: Invitae Variant Classification Sherloc (09022015). Collection method: clinical testing. Allele origin: germline.
Comment: This variant, c.520_528dup, results in the insertion of 3 amino acid(s) of the GATA3 protein (p.Gly174_Ala176dup), but otherwise preserves the integrity of the reading frame. This variant is present in population databases (no rsID available, gnomAD 0.002%). This variant has not been reported in the literature in individuals affected with GATA3-related conditions. In summary, the available evidence is currently insufficient to determine the role of this variant in disease. Therefore, it has been classified as a Variant of Uncertain Significance.

Fulgent Genetics
Classification: Uncertain significance for Hypoparathyroidism, deafness, renal disease syndrome. Last evaluated: 2024-06-10. Review status: criteria provided, single submitter. Criteria: ACMG Guidelines, 2015. Collection method: clinical testing. Allele origin: germline.

NM_001002295.2(GATA3):c.511GGCTCGGCC[3] (p.Ala176_Arg177insGlySerAla)

Gene: GATA3 (GATA binding protein 3; plus strand). Cytogenetic location: 10p14.
Variant type: Microsatellite.
Coding change: c.511GGCTCGGCC[3] on transcript NM_001002295.2 (MANE Select); three copies in a row of the 9-base unit GGCTCGGCC starting at c.511; the reference has two copies in a row; one copy, 9 bases duplicated; also written c.520_528dup.
Protein change: p.Ala176_Arg177insGlySerAla.
Genome position (GRCh38, 1-based): chr10:8,058,583-8,058,591, GGCTCGGCC duplicated; duplicating any 9 consecutive bases within chr10:8,058,574-8,058,591 gives the same sequence; the position shown is the placement nearest the transcript's 3' end. VCF-style (leftmost placement, unchanged base first): chr10-8058573-A-AGGCTCGGCC. GRCh37 (hg19) VCF-style: chr10-8100536-A-AGGCTCGGCC.
Other names: c.511GGCTCGGCC[3], p.Ala176_Arg177insGlySerAla (NM_002051.3); c.520_528dup (NM_001002295.2).
Identifiers: ClinVar variation 3598279 (VCV003598279.2).